The following is an entry in ClinVar:

ClinVar aggregate classification (germline): Uncertain significance (1 of 4 stars; one submission).

Conditions:
PKD1L1-related disorder. Also called: PKD1L1-related condition.

gnomAD v4.1: 4 of 1,613,872 alleles (0.00025%); highest among the groups gnomAD compares: Admixed American, 0.0033%; no homozygotes.

Submission:

PreventionGenetics, part of Exact Sciences
Classification: Uncertain significance for PKD1L1-related condition. Last evaluated: 2023-07-24. Review status: criteria provided, single submitter. Criteria: ACMG Guidelines, 2015. Collection method: clinical testing. Allele origin: germline.
Comment: The PKD1L1 c.4465G>C variant is predicted to result in the amino acid substitution p.Val1489Leu. To our knowledge, this variant has not been reported in the literature or in a large population database, indicating this variant is rare. At this time, the clinical significance of this variant is uncertain due to the absence of conclusive functional and genetic evidence.

NM_138295.5(PKD1L1):c.4465G>C (p.Val1489Leu)

Gene: PKD1L1 (polycystin 1 like 1, transient receptor potential channel interacting; minus strand). Cytogenetic location: 7p12.3.
Variant type: single nucleotide variant.
Coding change: c.4465G>C on transcript NM_138295.5 (MANE Select); coding-DNA position 4465, G replaced by C.
Protein change: p.Val1489Leu; replaces valine 1489 with leucine.
Molecular consequence: missense variant.
Genome position (GRCh38, 1-based): chr7:47,857,730, C>G on the plus strand (G>C on the coding strand, the complement: PKD1L1 is on the minus strand). VCF-style: chr7-47857730-C-G. GRCh37 (hg19) VCF-style: chr7-47897328-C-G.
Other names: short protein forms V1489L.
Identifiers: ClinVar variation 2636652 (VCV002636652.1), dbSNP rs766501476, ClinGen allele CA158081091.